The following is an entry in ClinVar:

ClinVar aggregate classification (germline): Uncertain significance (1 of 4 stars; one submission).

gnomAD v4.1: 1 of 1,614,014 alleles (0.000062%); highest among the groups gnomAD compares: African/African-American, 0.0013%; no homozygotes.

Submission:

Ambry Genetics
Classification: Uncertain significance. Last evaluated: 2026-06-08. Review status: criteria provided, single submitter. Criteria: Ambry Variant Classification Scheme 2023. Collection method: clinical testing. Allele origin: germline.
Comment: The p.G385V variant (also known as c.1154G>T), located in coding exon 8 of the ATRIP gene, results from a G to T substitution at nucleotide position 1154. The glycine at codon 385 is replaced by valine, an amino acid with dissimilar properties. This amino acid position is conserved. In addition, this alteration is predicted to be deleterious by in silico analysis. Based on the available evidence, the clinical significance of this variant remains unclear.

NM_130384.3(ATRIP):c.1154G>T (p.Gly385Val)

Genes: ATRIP (ATR interacting protein; plus strand), ATRIP-TREX1 (ATRIP-TREX1 readthrough; plus strand). Cytogenetic location: 3p21.31.
Variant type: single nucleotide variant.
Coding change: c.1154G>T on transcript NM_130384.3 (MANE Select); coding-DNA position 1154, G replaced by T.
Protein change: p.Gly385Val; replaces glycine 385 with valine.
Molecular consequence: missense variant. On other transcripts: non-coding transcript variant (1).
Genome position (GRCh38, 1-based): chr3:48,460,208, G>T. VCF-style: chr3-48460208-G-T. GRCh37 (hg19) VCF-style: chr3-48501607-G-T.
Other names: c.773G>T, p.Gly258Val (NM_001271022.2); c.875G>T, p.Gly292Val (NM_001271023.2); c.1154G>T, p.Gly385Val (NM_032166.4); short protein forms G258V, G292V, G385V.
Identifiers: ClinVar variation 4867265 (VCV004867265.1).